The following is an entry in ClinVar:

NM_003412.4(ZIC1):c.1139A>G (p.His380Arg)

Gene: ZIC1 (Zic family member 1; plus strand). Cytogenetic location: 3q24.
Variant type: single nucleotide variant.
Coding change: c.1139A>G on transcript NM_003412.4 (MANE Select); coding-DNA position 1139, A replaced by G.
Protein change: p.His380Arg; replaces histidine 380 with arginine.
Molecular consequence: missense variant.
Genome position (GRCh38, 1-based): chr3:147,412,674, A>G. VCF-style: chr3-147412674-A-G. GRCh37 (hg19) VCF-style: chr3-147130461-A-G.
Other names: short protein forms H380R.
Identifiers: ClinVar variation 3363919 (VCV003363919.1).
Genomic context (GRCh38, chr3:147,412,674, plus strand): 5'-AGCCCTATCTTTGCAAGATGTGCGACAAGTCCTACACGCATCCCAGTTCGCTGCGCAAAC[A>G]CATGAAGGTAATCGCCGCACTCTCGTCGCCCCCTTTGAGGCAGGAGCTCTCTTGGCTCTC-3'
Protein context (NP_003403.2, residues 370-390): SYTHPSSLRK[His380Arg]MKVHESSSQG

ClinVar aggregate classification (germline): Uncertain significance (1 of 4 stars; one submission).

Submission:

GeneDx
Classification: Uncertain significance. Last evaluated: 2023-11-13. Review status: criteria provided, single submitter. Criteria: GeneDx Variant Classification Process June 2021. Collection method: clinical testing. Allele origin: germline. Affected: yes.
Comment: Not observed at significant frequency in large population cohorts (gnomAD); In silico analysis supports that this missense variant has a deleterious effect on protein structure/function; Has not been previously published as pathogenic or benign to our knowledge